The following is an entry in ClinVar:

NM_001037165.2(FOXK1):c.162G>A (p.Pro54=)

Gene: FOXK1 (forkhead box K1; plus strand). Cytogenetic location: 7p22.1.
Variant type: single nucleotide variant.
Coding change: c.162G>A on transcript NM_001037165.2 (MANE Select); coding-DNA position 162, G replaced by A.
Protein change: p.Pro54=; no amino-acid change (proline 54 retained).
Molecular consequence: synonymous variant.
Genome position (GRCh38, 1-based): chr7:4,682,470, G>A. VCF-style: chr7-4682470-G-A. GRCh37 (hg19) VCF-style: chr7-4722101-G-A.
Identifiers: ClinVar variation 3388514 (VCV003388514.14).

ClinVar aggregate classification (germline): Likely benign (1 of 4 stars; one submission).

Submission:

CeGaT Center for Human Genetics Tuebingen
Classification: Likely benign. Last evaluated: 2024-09-01. Review status: criteria provided, single submitter. Criteria: CeGaT Center For Human Genetics Tuebingen Variant Classification Criteria Version 2. Collection method: clinical testing. Allele origin: germline. Affected: yes. Observed: 1 variant allele.
Comment: FOXK1: PM2:Supporting, BP4, BP7